The following is an entry in ClinVar:

NM_004360.5(CDH1):c.2351G>C (p.Arg784Pro)

Gene: CDH1 (cadherin 1; plus strand). Cytogenetic location: 16q22.1.
Variant type: single nucleotide variant.
Coding change: c.2351G>C on transcript NM_004360.5 (MANE Select); coding-DNA position 2351, G replaced by C.
Protein change: p.Arg784Pro; replaces arginine 784 with proline.
Molecular consequence: missense variant.
Genome position (GRCh38, 1-based): chr16:68,829,709, G>C. VCF-style: chr16-68829709-G-C. GRCh37 (hg19) VCF-style: chr16-68863612-G-C.
Other names: c.2168G>C, p.Arg723Pro (NM_001317184.2); c.803G>C, p.Arg268Pro (NM_001317185.2); c.386G>C, p.Arg129Pro (NM_001317186.2); c.2351G>C (NM_004360.3); short protein forms R784P, R129P, R268P, R723P.
Identifiers: ClinVar variation 620631 (VCV000620631.7), dbSNP rs763203357, ClinGen allele CA396471002.
Genomic context (GRCh38, chr16:68,829,709, plus strand): 5'-CAAAGGACTTTGACTTGAGCCAGCTGCACAGGGGCCTGGACGCTCGGCCTGAAGTGACTC[G>C]TAACGACGTTGCACCAACCCTCATGAGTGTCCCCCGGTATCTTCCCCGCCCTGCCAATCC-3'
Protein context (NP_004351.1, residues 774-794): RGLDARPEVT[Arg784Pro]NDVAPTLMSV

ClinVar aggregate classification (germline): Uncertain significance. Review status: criteria provided, multiple submitters, no conflicts (2 of 4 stars). 3 submissions from 3 submitters: Uncertain significance (3). Last evaluated 2025-08-18.

Conditions:
Hereditary cancer-predisposing syndrome. Also called: Tumor predisposition; Neoplastic Syndromes, Hereditary; Hereditary Cancer Syndrome; Hereditary neoplastic syndrome. Identifiers: Orphanet 140162, MedGen C0027672, MeSH D009386, MONDO:0015356.
Hereditary diffuse gastric adenocarcinoma (HDGC). Also called: DIFFUSE GASTRIC AND LOBULAR BREAST CANCER SYNDROME. Identifiers: Orphanet 26106, MedGen C1708349, MONDO:0007648, OMIM 137215.

Submissions (3):

Ambry Genetics
Classification: Uncertain significance for Hereditary cancer-predisposing syndrome. Last evaluated: 2025-08-18. Review status: criteria provided, single submitter. Criteria: Ambry Variant Classification Scheme 2023. Collection method: clinical testing. Allele origin: germline.
Comment: The p.R784P variant (also known as c.2351G>C), located in coding exon 15 of the CDH1 gene, results from a G to C substitution at nucleotide position 2351. The arginine at codon 784 is replaced by proline, an amino acid with dissimilar properties. This amino acid position is highly conserved in available vertebrate species. In addition, this alteration is predicted to be deleterious by in silico analysis. Based on the available evidence, the clinical significance of this variant remains unclear.

Labcorp Genetics (formerly Invitae), Labcorp
Classification: Uncertain significance for Hereditary diffuse gastric adenocarcinoma. Last evaluated: 2025-06-22. Review status: criteria provided, single submitter. Criteria: Invitae Variant Classification Sherloc (09022015). Collection method: clinical testing. Allele origin: germline.
Comment: This sequence change replaces arginine, which is basic and polar, with proline, which is neutral and non-polar, at codon 784 of the CDH1 protein (p.Arg784Pro). This variant is not present in population databases (gnomAD no frequency). This variant has not been reported in the literature in individuals affected with CDH1-related conditions. ClinVar contains an entry for this variant (Variation ID: 620631). An algorithm developed to predict the effect of missense changes on protein structure and function (PolyPhen-2) suggests that this variant is likely to be disruptive. In summary, the available evidence is currently insufficient to determine the role of this variant in disease. Therefore, it has been classified as a Variant of Uncertain Significance.

St. Jude Molecular Pathology, St. Jude Children's Research Hospital
Classification: Uncertain significance for Hereditary diffuse gastric adenocarcinoma. Last evaluated: 2020-09-11. Review status: criteria provided, single submitter. Criteria: St. Jude Assertion Criteria 2020. Collection method: clinical testing. Allele origin: germline.

Literature cited by the submitters: PubMed 30287823 (cited by Ambry Genetics).